The following is an entry in ClinVar:

NM_001374828.1(ARID1B):c.1303GGC[9] (p.Gly440_Tyr441insGlyGlyGly)

Gene: ARID1B (AT-rich interaction domain 1B; plus strand). Cytogenetic location: 6q25.3.
Variant type: Microsatellite.
Coding change: c.1303GGC[9] on transcript NM_001374828.1 (MANE Select); nine copies in a row of the 3-base unit GGC starting at c.1303; the reference has six copies in a row; three copies, 9 bases duplicated.
Protein change: p.Gly440_Tyr441insGlyGlyGly.
Molecular consequence: inframe insertion. On other transcripts: inframe indel (3).
Genome position (GRCh38, 1-based): chr6:156,778,992-156,779,000, GGCGGCGGC duplicated; duplicating any 9 consecutive bases within chr6:156,778,983-156,779,000 gives the same sequence; the position shown is the placement nearest the transcript's 3' end. VCF-style (leftmost placement, unchanged base first): chr6-156778982-A-AGGCGGCGGC. GRCh37 (hg19) VCF-style: chr6-157100116-A-AGGCGGCGGC.
Other names: c.1054_1056GGC[9], p.Gly357_Tyr358insGlyGlyGly (NM_001346813.1, NM_020732.3); c.1303GGC[9], p.Gly440_Tyr441insGlyGlyGly (NM_001371656.1, NM_001374820.1, NM_017519.3); c.880_882GGC[9], p.Gly299_Tyr300insGlyGlyGly (NM_175863.2).
Identifiers: ClinVar variation 1951158 (VCV001951158.5), dbSNP rs797045268, ClinGen allele CA821298769.

ClinVar aggregate classification (germline): Uncertain significance (1 of 4 stars; one submission).

Submission:

Labcorp Genetics (formerly Invitae), Labcorp
Classification: Uncertain significance. Last evaluated: 2022-10-25. Review status: criteria provided, single submitter. Criteria: Invitae Variant Classification Sherloc (09022015). Collection method: clinical testing. Allele origin: germline.
Comment: This variant, c.1063_1071dup, results in the insertion of 3 amino acid(s) of the ARID1B protein (p.Gly355_Gly357dup), but otherwise preserves the integrity of the reading frame. The frequency data for this variant in the population databases is considered unreliable, as metrics indicate insufficient coverage at this position in the gnomAD database. This variant has not been reported in the literature in individuals affected with ARID1B-related conditions. Experimental studies and prediction algorithms are not available or were not evaluated, and the functional significance of this variant is currently unknown. In summary, the available evidence is currently insufficient to determine the role of this variant in disease. Therefore, it has been classified as a Variant of Uncertain Significance.